The following is an entry in ClinVar:

ClinVar aggregate classification (germline): Uncertain significance. Review status: criteria provided, multiple submitters, no conflicts (2 of 4 stars). 2 submissions from 2 submitters: Uncertain significance (2). Last evaluated 2025-07-30.

Conditions:
Epidermolysis bullosa simplex 5B, with muscular dystrophy (EBS5B). Also called: Epidermolysis bullosa simplex with muscular dystrophy; EPIDERMOLYSIS BULLOSA SIMPLEX AND LIMB-GIRDLE MUSCULAR DYSTROPHY. Identifiers: Orphanet 257, MedGen C2931072, MONDO:0009181, OMIM 226670.
Epidermolysis bullosa simplex, Ogna type (EBS5A). Also called: Pidermolysis bullosa simplex 5A, Ogna type; EPIDERMOLYSIS BULLOSA SIMPLEX 5A, OGNA TYPE. Identifiers: Orphanet 79401, MedGen C0432317, MONDO:0007555, OMIM 131950.
Epidermolysis bullosa simplex 5C, with pyloric atresia (EBS5C). Also called: PLEC-Related Epidermolysis Bullosa with Pyloric Atresia; Epidermolysis bullosa simplex with pyloric atresia; PLEC1-Related Epidermolysis Bullosa with Pyloric Atresia. Identifiers: Orphanet 158684, MedGen C2677349, MONDO:0012807, OMIM 612138.
Autosomal recessive limb-girdle muscular dystrophy type 2Q (LGMDR17). Also called: MUSCULAR DYSTROPHY, LIMB-GIRDLE, AUTOSOMAL RECESSIVE 17. Identifiers: Orphanet 254361, MedGen C3150989, MONDO:0013390, OMIM 613723.
Epidermolysis bullosa simplex with nail dystrophy (EBS5D). Identifiers: MedGen C4225309, MONDO:0014661, OMIM 616487.
Inborn genetic diseases. Identifiers: MedGen C0950123, MeSH D030342.

Allele frequency attached by ClinVar (database versions not stated): ExAC 0.00001; gnomAD 0.00001; gnomAD exomes 0.00001.
gnomAD v4.1: 24 of 1,594,124 alleles (0.0015%); highest among the groups gnomAD compares: Non-Finnish European, 0.0019%; no homozygotes.

Submissions (2):

Labcorp Genetics (formerly Invitae), Labcorp
Classification: Uncertain significance for Autosomal recessive limb-girdle muscular dystrophy type 2Q; Epidermolysis bullosa simplex, Ogna type; Epidermolysis bullosa simplex with nail dystrophy; Epidermolysis bullosa simplex 5C, with pyloric atresia; Epidermolysis bullosa simplex 5B, with muscular dystrophy. Last evaluated: 2025-07-30. Review status: criteria provided, single submitter. Criteria: Invitae Variant Classification Sherloc (09022015). Collection method: clinical testing. Allele origin: germline.
Comment: This sequence change replaces glutamic acid, which is acidic and polar, with aspartic acid, which is acidic and polar, at codon 2047 of the PLEC protein (p.Glu2047Asp). This variant is present in population databases (rs782007606, gnomAD 0.004%). This variant has not been reported in the literature in individuals affected with PLEC-related conditions. ClinVar contains an entry for this variant (Variation ID: 1008005). Experimental studies and prediction algorithms are not available or were not evaluated, and the functional significance of this variant is currently unknown. In summary, the available evidence is currently insufficient to determine the role of this variant in disease. Therefore, it has been classified as a Variant of Uncertain Significance.

Ambry Genetics
Classification: Uncertain significance for Inborn genetic diseases. Last evaluated: 2024-08-01. Review status: criteria provided, single submitter. Criteria: Ambry Variant Classification Scheme 2023. Collection method: clinical testing. Allele origin: germline.

NM_201384.3(PLEC):c.6060G>C (p.Glu2020Asp)

Gene: PLEC (plectin; minus strand). Cytogenetic location: 8q24.3.
Variant type: single nucleotide variant.
Coding change: c.6060G>C on transcript NM_201384.3 (MANE Select); coding-DNA position 6060, G replaced by C.
Protein change: p.Glu2020Asp; replaces glutamic acid 2020 with aspartic acid.
Molecular consequence: missense variant.
Genome position (GRCh38, 1-based): chr8:143,923,869, C>G on the plus strand (G>C on the coding strand, the complement: PLEC is on the minus strand). VCF-style: chr8-143923869-C-G. GRCh37 (hg19) VCF-style: chr8-144998037-C-G.
Other names: c.5994G>C, p.Glu1998Asp (NM_201379.3); c.6471G>C, p.Glu2157Asp (NM_201380.4); c.5964G>C, p.Glu1988Asp (NM_201381.3); c.6060G>C, p.Glu2020Asp (NM_201382.4); c.6072G>C, p.Glu2024Asp (NM_201383.3); c.6141G>C, p.Glu2047Asp (NM_000445.5); c.6018G>C, p.Glu2006Asp (NM_201378.4); c.6141G>C (NM_000445.3); short protein forms E1988D, E1998D, E2006D, E2020D, E2024D, E2047D, E2157D.
Identifiers: ClinVar variation 1008005 (VCV001008005.6), dbSNP rs782007606, ClinGen allele CA4926125.